The following is an entry in ClinVar:

ClinVar aggregate classification (germline): Uncertain significance (1 of 4 stars; one submission).

Conditions:
Hereditary pancreatitis (PCTT). Also called: Hereditary chronic pancreatitis; PRSS1-Related Hereditary Pancreatitis. Identifiers: Orphanet 676, MedGen C0238339, MONDO:0008185, OMIM 167800.

Submission:

Ambry Genetics
Classification: Uncertain significance for Hereditary pancreatitis. Last evaluated: 2022-09-09. Review status: criteria provided, single submitter. Criteria: Ambry Variant Classification Scheme 2023. Collection method: clinical testing. Allele origin: germline.
Comment: The p.W238R variant (also known as c.712T>C), located in coding exon 5 of the PRSS1 gene, results from a T to C substitution at nucleotide position 712. The tryptophan at codon 238 is replaced by arginine, an amino acid with dissimilar properties. This amino acid position is conserved. In addition, this alteration is predicted to be deleterious by in silico analysis. Since supporting evidence is limited at this time, the clinical significance of this alteration remains unclear.

NM_002769.5(PRSS1):c.712T>C (p.Trp238Arg)

Genes: PRSS1 (serine protease 1; plus strand), TRB (T cell receptor beta locus; plus strand). Cytogenetic location: 7q34.
Variant type: single nucleotide variant.
Coding change: c.712T>C on transcript NM_002769.5 (MANE Select); coding-DNA position 712, T replaced by C.
Protein change: p.Trp238Arg; replaces tryptophan 238 with arginine.
Molecular consequence: missense variant. On other transcripts: non-coding transcript variant (5).
Genome position (GRCh38, 1-based): chr7:142,752,988, T>C. VCF-style: chr7-142752988-T-C. GRCh37 (hg19) VCF-style: chr7-142460839-T-C.
Other names: short protein forms W238R.
Identifiers: ClinVar variation 1757314 (VCV001757314.2), dbSNP rs2485769974, ClinGen allele CA369611014.